The following is an entry in ClinVar:

ClinVar aggregate classification (germline): Uncertain significance. Review status: criteria provided, multiple submitters, no conflicts (2 of 4 stars). 2 submissions from 2 submitters: Uncertain significance (2). Last evaluated 2019-11-05.

Conditions:
FG syndrome 1 (OKS). Also called: OPITZ-KAVEGGIA SYNDROME; FG Syndrome Type 1 (FGS1); KELLER SYNDROME; MENTAL RETARDATION, LARGE HEAD, IMPERFORATE ANUS, CONGENITAL HYPOTONIA, AND PARTIAL AGENESIS OF CORPUS CALLOSUM. Identifiers: Orphanet 93932, MedGen C5399762, MONDO:0010590, OMIM 305450.
X-linked intellectual disability with marfanoid habitus. Also called: INTELLECTUAL DEVELOPMENTAL DISORDER, X-LINKED, SYNDROMIC, LUJAN-FRYNS TYPE; Lujan Syndrome; X-linked mental retardation with marfanoid habitus syndrome; Lujan Syndrome (LS). Identifiers: Orphanet 776, MedGen C0796022, MONDO:0010655, OMIM 309520.
Blepharophimosis - intellectual disability syndrome, MKB type. Also called: Ohdo syndrome, X-linked; BLEPHAROPHIMOSIS-MENTAL RETARDATION SYNDROME, MAAT-KIEVIT-BRUNNER TYPE; X-Linked Ohdo Syndrome (XLOS). Identifiers: Orphanet 293707, MedGen C3698541, MONDO:0010477, OMIM 300895.

Submissions (2):

GeneDx
Classification: Uncertain significance. Last evaluated: 2019-11-05. Review status: criteria provided, single submitter. Criteria: GeneDx Variant Classification Process June 2021. Collection method: clinical testing. Allele origin: germline. Affected: yes.
Comment: Not observed in large population cohorts (Lek et al., 2016); In silico analysis, which includes protein predictors and evolutionary conservation, supports that this variant does not alter protein structure/function; Has not been previously published as pathogenic or benign to our knowledge

Geisinger Autism and Developmental Medicine Institute, Geisinger Health System
Classification: Uncertain significance for Blepharophimosis - intellectual disability syndrome, MKB type; X-linked intellectual disability with marfanoid habitus; FG syndrome 1. Last evaluated: 2017-11-27. Review status: criteria provided, single submitter. Criteria: ACMG Guidelines, 2015. Collection method: provider interpretation, clinical testing. Allele origin: maternal. Observed: 1 variant allele.
Comment: The variant is absent from population databases and has not been reported previously in affected individuals, to our knowledge. Computational models predict the variant to be benign. A different, semi-conservative missense variant at the same amino acid residue is present in gnomAD at a very low frequency (0.001%).

Literature cited by the submitters: PubMed 19938245 (cited by Geisinger Autism and Developmental Medicine Institute, Geisinger Health System); PubMed 17369503 (cited by Geisinger Autism and Developmental Medicine Institute, Geisinger Health System); PubMed 23395478 (cited by Geisinger Autism and Developmental Medicine Institute, Geisinger Health System); PubMed 24077912 (cited by Geisinger Autism and Developmental Medicine Institute, Geisinger Health System); PubMed 24039113 (cited by Geisinger Autism and Developmental Medicine Institute, Geisinger Health System).

NM_005120.3(MED12):c.628G>C (p.Ala210Pro)

Gene: MED12 (mediator complex subunit 12; plus strand). Cytogenetic location: Xq13.1.
Variant type: single nucleotide variant.
Coding change: c.628G>C on transcript NM_005120.3 (MANE Select); coding-DNA position 628, G replaced by C.
Protein change: p.Ala210Pro; replaces alanine 210 with proline.
Molecular consequence: missense variant.
Genome position (GRCh38, 1-based): chrX:71,121,045, G>C. VCF-style: chrX-71121045-G-C. GRCh37 (hg19) VCF-style: chrX-70340895-G-C.
Other names: short protein forms A210P.
Identifiers: ClinVar variation 560275 (VCV000560275.5), dbSNP rs1379201163, ClinGen allele CA413500698.
Genomic context (GRCh38, chrX:71,121,045, plus strand): 5'-ATCACCAAGTACTTATGGGAGCAGTTACAGAAGATGGCTGAATACTACCGGCCAGGGCCT[G>C]CAGGAAGTGGGGGCTGTGGTTCCACGATAGGGCCCTTGCCCCATGATGTAGAGGTGGCAA-3'
Protein context (NP_005111.2, residues 200-220): KMAEYYRPGP[Ala210Pro]GSGGCGSTIG